The following is an entry in ClinVar:

ClinVar aggregate classification (germline): Uncertain significance (1 of 4 stars; one submission).

Conditions:
Hereditary spastic paraplegia 3A (SPG3A). Also called: SPASTIC PARAPLEGIA 3, AUTOSOMAL DOMINANT; FAMILIAL SPASTIC PARAPLEGIA, AUTOSOMAL DOMINANT, 1; SPG3; STRUMPELL DISEASE; Spastic Paraplegia 3A; Spastic paraplegia 3A, autosomal dominant. Identifiers: Orphanet 100984, MedGen C2931355, MONDO:0008437, OMIM 182600.

Submission:

Labcorp Genetics (formerly Invitae), Labcorp
Classification: Uncertain significance for Hereditary spastic paraplegia 3A. Last evaluated: 2023-10-20. Review status: criteria provided, single submitter. Criteria: Invitae Variant Classification Sherloc (09022015). Collection method: clinical testing. Allele origin: germline.
Comment: This sequence change replaces glutamic acid, which is acidic and polar, with aspartic acid, which is acidic and polar, at codon 16 of the ATL1 protein (p.Glu16Asp). This variant is not present in population databases (gnomAD no frequency). This variant has not been reported in the literature in individuals affected with ATL1-related conditions. Advanced modeling of protein sequence and biophysical properties (such as structural, functional, and spatial information, amino acid conservation, physicochemical variation, residue mobility, and thermodynamic stability) performed at Invitae indicates that this missense variant is not expected to disrupt ATL1 protein function. In summary, the available evidence is currently insufficient to determine the role of this variant in disease. Therefore, it has been classified as a Variant of Uncertain Significance.

NM_015915.5(ATL1):c.48A>C (p.Glu16Asp)

Gene: ATL1 (atlastin GTPase 1; plus strand). Cytogenetic location: 14q22.1.
Variant type: single nucleotide variant.
Coding change: c.48A>C on transcript NM_015915.5 (MANE Select); coding-DNA position 48, A replaced by C.
Protein change: p.Glu16Asp; replaces glutamic acid 16 with aspartic acid.
Molecular consequence: missense variant.
Genome position (GRCh38, 1-based): chr14:50,587,844, A>C. VCF-style: chr14-50587844-A-C. GRCh37 (hg19) VCF-style: chr14-51054562-A-C.
Other names: c.48A>C, p.Glu16Asp (NM_001127713.1, NM_181598.4); short protein forms E16D.
Identifiers: ClinVar variation 2770302 (VCV002770302.3), dbSNP rs2504484156, ClinGen allele CA389665156.